The following is an entry in ClinVar:

NM_000094.4(COL7A1):c.2523_2524del (p.Val842fs)

Gene: COL7A1 (collagen type VII alpha 1 chain; minus strand). Cytogenetic location: 3p21.31.
Variant type: Deletion.
Coding change: c.2523_2524del on transcript NM_000094.4 (MANE Select); coding-DNA positions 2523 to 2524, 2 bases deleted (AG; older notation c.2523_2524delAG).
Protein change: p.Val842fs; shifts the reading frame from valine 842.
Molecular consequence: frameshift variant.
Genome position (GRCh38, 1-based): chr3:48,588,705-48,588,706, CT deleted on the plus strand (AG on the coding strand, the reverse complement: COL7A1 is on the minus strand). VCF-style (leftmost placement, unchanged base first): chr3-48588704-ACT-A. GRCh37 (hg19) VCF-style: chr3-48626137-ACT-A.
Other names: short protein forms V842fs.
Identifiers: ClinVar variation 3906972 (VCV003906972.2).
Genomic context (GRCh38, chr3:48,588,704, plus strand): 5'-GTAGTGACAACAATGGAGACAGGTGTGCCCTCGCGGTCCCCGACAAGTGCAGTCACTCGC[ACT>A]GAGTAGCTGACTCCACCTTCGAGACCCCGGATCTCTGCAGAGTCTGTGTTTCCTGGGAGT-3'

ClinVar aggregate classification (germline): Likely pathogenic (1 of 4 stars; one submission).

Conditions:
Recessive dystrophic epidermolysis bullosa (RDEB). Also called: DYSTROPHIC EPIDERMOLYSIS BULLOSA, AUTOSOMAL RECESSIVE; EPIDERMOLYSIS BULLOSA DYSTROPHICA, HALLOPEAU-SIEMENS TYPE; Recessive DEB (RDEB); Hallopeau-Siemens Disease; severe generalized recessive dystrophic epidermolysis bullosa; Epidermolysis Bullosa Distrophica Autosomal Recessive (RDEB). Identifiers: Orphanet 79408, Orphanet 79409, MedGen C0079474, MONDO:0009179, OMIM 226600.

Submission:

Juno Genomics, Hangzhou Juno Genomics, Inc
Classification: Likely pathogenic for Recessive dystrophic epidermolysis bullosa. Review status: criteria provided, single submitter. Criteria: ACMG Guidelines, 2015. Collection method: clinical testing. Allele origin: germline. Affected: yes.
Comment: Absent from controls (or at extremely low frequency if recessive) in Genome Aggregation Database, Exome Sequencing Project, 1000 Genomes Project, or Exome Aggregation Consortium.;Null variant in a gene where loss of function (LOF) is a known mechanism of disease.